The following is an entry in ClinVar:

ClinVar aggregate classification (germline): Uncertain significance (1 of 4 stars; one submission).

Conditions:
Myofibrillar myopathy 4. Also called: Zaspopathy (type). Identifiers: Orphanet 98912, MedGen C4721886, MONDO:0012277, OMIM 609452.

gnomAD v4.1: 1 of 1,613,158 alleles (0.000062%); highest among the groups gnomAD compares: Non-Finnish European, 0.000085%; no homozygotes.

Submission:

Labcorp Genetics (formerly Invitae), Labcorp
Classification: Uncertain significance for Myofibrillar myopathy 4. Last evaluated: 2023-01-13. Review status: criteria provided, single submitter. Criteria: Invitae Variant Classification Sherloc (09022015). Collection method: clinical testing. Allele origin: germline.
Comment: In summary, the available evidence is currently insufficient to determine the role of this variant in disease. Therefore, it has been classified as a Variant of Uncertain Significance. Experimental studies and prediction algorithms are not available or were not evaluated, and the functional significance of this variant is currently unknown. This variant has not been reported in the literature in individuals affected with LDB3-related conditions. This variant is not present in population databases (gnomAD no frequency). This sequence change replaces alanine, which is neutral and non-polar, with threonine, which is neutral and polar, at codon 321 of the LDB3 protein (p.Ala321Thr). The LDB3 gene has multiple clinically relevant transcripts. This variant occurs in alternate transcript NM_007078.3, and corresponds to NM_001080116.1:c.*7221G>A in the primary transcript.

NM_007078.3(LDB3):c.961G>A (p.Ala321Thr)

Gene: LDB3 (LIM domain binding 3; plus strand). Cytogenetic location: 10q23.2.
Variant type: single nucleotide variant.
Coding change: c.961G>A on transcript NM_007078.3 (MANE Select); coding-DNA position 961, G replaced by A.
Protein change: p.Ala321Thr; replaces alanine 321 with threonine.
Molecular consequence: missense variant. On other transcripts: intron variant (4).
Genome position (GRCh38, 1-based): chr10:86,706,595, G>A. VCF-style: chr10-86706595-G-A. GRCh37 (hg19) VCF-style: chr10-88466352-G-A.
Other names: c.820G>A, p.Ala274Thr (NM_001368066.1); c.897-3310G>A (NM_001368064.1, NM_001368065.1); c.1101-3310G>A (NM_001171610.2); c.756-3310G>A (NM_001080114.2); short protein forms A321T, A274T.
Identifiers: ClinVar variation 2828222 (VCV002828222.3), dbSNP rs1846453093, ClinGen allele CA377446739.